The following is an entry in ClinVar:

ClinVar aggregate classification (germline): Benign. Review status: criteria provided, multiple submitters, no conflicts (2 of 4 stars). 2 submissions from 2 submitters: Benign (2). Last evaluated 2018-01-12.

Conditions:
Charcot-Marie-Tooth disease type 4H (CMT4H). Also called: CHARCOT-MARIE-TOOTH DISEASE, AUTOSOMAL RECESSIVE, TYPE 4H; CHARCOT-MARIE-TOOTH DISEASE, DEMYELINATING, AUTOSOMAL RECESSIVE, TYPE 4H; CHARCOT-MARIE-TOOTH NEUROPATHY, TYPE 4H; CHARCOT-MARIE-TOOTH DISEASE, DEMYELINATING, TYPE 4H. Identifiers: Orphanet 99954, MedGen C1836336, MONDO:0012250, OMIM 609311.

Allele frequency attached by ClinVar (database versions not stated): 1000 Genomes Project 0.06709; 1000 Genomes Project 30x 0.07183; gnomAD 0.08944 and 0.08985; TOPMed 0.09690.

Submissions (2):

Illumina Laboratory Services, Illumina
Classification: Benign for Charcot-Marie-Tooth disease type 4H. Last evaluated: 2018-01-12. Review status: criteria provided, single submitter. Criteria: ICSL Variant Classification Criteria 13 December 2019. Collection method: clinical testing. Allele origin: germline.
Comment: This variant was observed in the ICSL laboratory as part of a predisposition screen in an ostensibly healthy population. It had not been previously curated by ICSL or reported in the Human Gene Mutation Database (HGMD: prior to June 1st, 2018), and was therefore a candidate for classification through an automated scoring system. Utilizing variant allele frequency, disease prevalence and penetrance estimates, and inheritance mode, an automated score was calculated to assess if this variant is too frequent to cause the disease. Based on the score and internal cut-off values, a variant classified as benign is not then subjected to further curation. The score for this variant resulted in a classification of benign for this disease.

Breakthrough Genomics
Classification: Benign. Review status: criteria provided, single submitter. Criteria: ACMG Guidelines, 2015. Collection method: not provided. Allele origin: germline. Inheritance: Autosomal recessive inheritance. Affected: yes.

NM_001370298.3(FGD4):c.*1828A>T

Gene: FGD4 (FYVE, RhoGEF and PH domain containing 4; plus strand). Cytogenetic location: 12p11.21.
Variant type: single nucleotide variant.
Coding change: c.*1828A>T on transcript NM_001370298.3 (MANE Select); 1828 bases downstream of the stop codon, A replaced by T.
Molecular consequence: 3 prime UTR variant. On other transcripts: intron variant (3).
Genome position (GRCh38, 1-based): chr12:32,642,361, A>T. VCF-style: chr12-32642361-A-T. GRCh37 (hg19) VCF-style: chr12-32795295-A-T.
Other names: c.*1828A>T (NM_001304481.2, NM_001304484.2, NM_001330373.2 and 5 more transcripts); c.2632+1908A>T (NM_001384126.1); c.2221+1908A>T (NM_001384127.1, NM_001384128.1).
Identifiers: ClinVar variation 308324 (VCV000308324.6), dbSNP rs4931031, ClinGen allele CA10640928.